The following is an entry in ClinVar:

ClinVar aggregate classification (germline): Uncertain significance (1 of 4 stars; one submission).

gnomAD v4.1: 2 of 1,611,216 alleles (0.00012%); highest among the groups gnomAD compares: Non-Finnish European, 0.00017%; no homozygotes.

Submission:

GeneDx
Classification: Uncertain significance. Last evaluated: 2025-01-22. Review status: criteria provided, single submitter. Criteria: GeneDx Variant Classification Process June 2021. Collection method: clinical testing. Allele origin: germline. Affected: yes.
Comment: Not observed at significant frequency in large population cohorts (gnomAD); In silico analysis supports that this missense variant has a deleterious effect on protein structure/function; Has not been previously published as pathogenic or benign to our knowledge

NM_007289.4(MME):c.2015A>G (p.Glu672Gly)

Gene: MME (membrane metalloendopeptidase; plus strand). Cytogenetic location: 3q25.2.
Variant type: single nucleotide variant.
Coding change: c.2015A>G on transcript NM_007289.4 (MANE Select); coding-DNA position 2015, A replaced by G.
Protein change: p.Glu672Gly; replaces glutamic acid 672 with glycine.
Molecular consequence: missense variant.
Genome position (GRCh38, 1-based): chr3:155,172,151, A>G. VCF-style: chr3-155172151-A-G. GRCh37 (hg19) VCF-style: chr3-154889940-A-G.
Other names: c.2015A>G, p.Glu672Gly (NM_000902.5, NM_001354642.2, NM_001354643.1 and 2 more transcripts); short protein forms E672G.
Identifiers: ClinVar variation 4071778 (VCV004071778.1).
Genomic context (GRCh38, chr3:155,172,151, plus strand): 5'-GTTTTTCTATTTTATCAACTGCCTAGGCCTATCAGAATTATATTAAAAAGAATGGCGAAG[A>G]AAAATTACTTCCTGGACTTGACCTAAATCACAAACAACTATTTTTCTTGAACTTTGCACA-3'
Protein context (NP_009220.2, residues 662-682): YQNYIKKNGE[Glu672Gly]KLLPGLDLNH